The following is an entry in ClinVar:

NM_001164507.2(NEB):c.21348T>G (p.Asp7116Glu)

Genes: NEB (nebulin; minus strand), RIF1 (replication timing regulatory factor 1; plus strand). Cytogenetic location: 2q23.3.
Variant type: single nucleotide variant.
Coding change: c.21348T>G on transcript NM_001164507.2 (MANE Plus Clinical); coding-DNA position 21348, T replaced by G.
Protein change: p.Asp7116Glu; replaces aspartic acid 7116 with glutamic acid.
Molecular consequence: missense variant. On other transcripts: intron variant (1).
Genome position (GRCh38, 1-based): chr2:151,534,284, A>C on the plus strand (T>G on the coding strand, the complement: NEB is on the minus strand). VCF-style: chr2-151534284-A-C. GRCh37 (hg19) VCF-style: chr2-152390798-A-C.
Other names: c.21348T>G, p.Asp7116Glu (NM_001271208.2); c.16245T>G, p.Asp5415Glu (NM_004543.5); c.21313-738T>G (NM_001164508.2); short protein forms D5415E, D7116E.
Identifiers: ClinVar variation 1390389 (VCV001390389.6), dbSNP rs199934793, ClinGen allele CA348772392.

ClinVar aggregate classification (germline): Uncertain significance (1 of 4 stars; one submission).

Conditions:
Nemaline myopathy 2 (NEM2). Also called: Nemaline myopathy 2, autosomal recessive. Identifiers: MedGen C1850569, MONDO:0009725, OMIM 256030.

Submission:

Labcorp Genetics (formerly Invitae), Labcorp
Classification: Uncertain significance for Nemaline myopathy 2. Last evaluated: 2021-11-08. Review status: criteria provided, single submitter. Criteria: Invitae Variant Classification Sherloc (09022015). Collection method: clinical testing. Allele origin: germline.
Comment: This sequence change replaces aspartic acid, which is acidic and polar, with glutamic acid, which is acidic and polar, at codon 7116 of the NEB protein (p.Asp7116Glu). This variant has not been reported in the literature in individuals affected with NEB-related conditions. This variant is not present in population databases (gnomAD no frequency). In summary, the available evidence is currently insufficient to determine the role of this variant in disease. Therefore, it has been classified as a Variant of Uncertain Significance. Algorithms developed to predict the effect of missense changes on protein structure and function are either unavailable or do not agree on the potential impact of this missense change (SIFT: "Deleterious"; PolyPhen-2: "Not Available"; Align-GVGD: "Class C0").